The following is an entry in ClinVar:

NM_007186.6(CEP250):c.4762G>C (p.Val1588Leu)

Gene: CEP250 (centrosomal protein 250; plus strand). Cytogenetic location: 20q11.22.
Variant type: single nucleotide variant.
Coding change: c.4762G>C on transcript NM_007186.6 (MANE Select); coding-DNA position 4762, G replaced by C.
Protein change: p.Val1588Leu; replaces valine 1588 with leucine.
Molecular consequence: missense variant.
Genome position (GRCh38, 1-based): chr20:35,503,131, G>C. VCF-style: chr20-35503131-G-C. GRCh37 (hg19) VCF-style: chr20-34090959-G-C.
Other names: c.2866G>C, p.Val956Leu (NM_001318219.1); short protein forms V1588L, V956L.
Identifiers: ClinVar variation 940071 (VCV000940071.8), dbSNP rs144589737, ClinGen allele CA9833759.

ClinVar aggregate classification (germline): Uncertain significance. Review status: criteria provided, multiple submitters, no conflicts (2 of 4 stars). 2 submissions from 2 submitters: Uncertain significance (2). Last evaluated 2022-11-03.

Allele frequency attached by ClinVar (database versions not stated): ESP Exome Variant Server 0.00023; TOPMed 0.00009.
gnomAD v4.1: 28 of 1,614,058 alleles (0.0017%); highest among the groups gnomAD compares: African/African-American, 0.033%; no homozygotes.

Submissions (2):

Blueprint Genetics
Classification: Uncertain significance. Last evaluated: 2022-11-03. Review status: criteria provided, single submitter. Criteria: ACMG Guidelines, 2015. Collection method: clinical testing. Allele origin: germline.

Labcorp Genetics (formerly Invitae), Labcorp
Classification: Uncertain significance. Last evaluated: 2022-07-18. Review status: criteria provided, single submitter. Criteria: Invitae Variant Classification Sherloc (09022015). Collection method: clinical testing. Allele origin: germline.
Comment: This sequence change replaces valine, which is neutral and non-polar, with leucine, which is neutral and non-polar, at codon 1588 of the CEP250 protein (p.Val1588Leu). This variant is present in population databases (rs144589737, gnomAD 0.03%). This variant has not been reported in the literature in individuals affected with CEP250-related conditions. ClinVar contains an entry for this variant (Variation ID: 940071). Algorithms developed to predict the effect of missense changes on protein structure and function are either unavailable or do not agree on the potential impact of this missense change (SIFT: "Not Available"; PolyPhen-2: "Benign"; Align-GVGD: "Not Available"). In summary, the available evidence is currently insufficient to determine the role of this variant in disease. Therefore, it has been classified as a Variant of Uncertain Significance.